The following is an entry in ClinVar:

NM_033380.3(COL4A5):c.2474del (p.Gly825fs)

Gene: COL4A5 (collagen type IV alpha 5 chain; plus strand). Cytogenetic location: Xq22.3.
Variant type: Deletion.
Coding change: c.2474del on transcript NM_033380.3 (MANE Select); coding-DNA position 2474, one base deleted (G; older notation c.2474delG).
Protein change: p.Gly825fs; shifts the reading frame from glycine 825.
Molecular consequence: frameshift variant.
Genome position (GRCh38, 1-based): chrX:108,614,989, G deleted; the last of 2 consecutive G bases (chrX:108,614,988-108,614,989); deleting either gives the same sequence. VCF-style (leftmost placement, unchanged base first): chrX-108614987-AG-A. GRCh37 (hg19) VCF-style: chrX-107858217-AG-A.
Other names: c.2474del, p.Gly825fs (NM_000495.5); short protein forms G825fs.
Identifiers: ClinVar variation 1705461 (VCV001705461.1), dbSNP rs2524375738, ClinGen allele CA2580100169.

ClinVar aggregate classification (germline): Likely pathogenic (1 of 4 stars; one submission).

Conditions:
X-linked Alport syndrome (ATS1). Also called: NEPHROPATHY AND DEAFNESS, X-LINKED; COL4A5-Related Nephropathy. Identifiers: Orphanet 63, Orphanet 88917, MedGen C4746986, MONDO:0010520, OMIM 301050.

Submission:

3billion
Classification: Likely pathogenic for X-linked Alport syndrome. Last evaluated: 2022-09-01. Review status: criteria provided, single submitter. Criteria: ACMG Guidelines, 2015. Collection method: clinical testing. Allele origin: germline. Affected: yes. Observed: 1 heterozygote.
Comment: The variant is not observed in the gnomAD v2.1.1 dataset. Frameshift variant is predicted to result in a loss or disruption of normal protein function through nonsense-mediated decay (NMD) or protein truncation. Multiple pathogenic variants are reported downstream of the variant. Therefore, this variant is classified as Likely pathogenic according to the recommendation of ACMG/AMP guideline.